The following is an entry in ClinVar:

ClinVar aggregate classification (germline): Uncertain significance (1 of 4 stars; one submission).

Conditions:
Gastrointestinal stromal tumor. Also called: Gastrointestinal stroma tumor; Gastrointestinal stromal tumor, somatic. Identifiers: Orphanet 44890, MedGen C0238198, MeSH D046152, MONDO:0011719, OMIM 606764, HP:0100723.

Submission:

Labcorp Genetics (formerly Invitae), Labcorp
Classification: Uncertain significance for Gastrointestinal stromal tumor. Last evaluated: 2022-05-03. Review status: criteria provided, single submitter. Criteria: Invitae Variant Classification Sherloc (09022015). Collection method: clinical testing. Allele origin: germline.
Comment: This sequence change replaces lysine, which is basic and polar, with glutamine, which is neutral and polar, at codon 378 of the PDGFRA protein (p.Lys378Gln). In summary, the available evidence is currently insufficient to determine the role of this variant in disease. Therefore, it has been classified as a Variant of Uncertain Significance. Algorithms developed to predict the effect of missense changes on protein structure and function output the following: SIFT: "Tolerated"; PolyPhen-2: "Benign"; Align-GVGD: "Class C0". The glutamine amino acid residue is found in multiple mammalian species, which suggests that this missense change does not adversely affect protein function. This variant has not been reported in the literature in individuals affected with PDGFRA-related conditions. This variant is not present in population databases (gnomAD no frequency).

NM_006206.6(PDGFRA):c.1132A>C (p.Lys378Gln)

Gene: PDGFRA (platelet derived growth factor receptor alpha; plus strand). Cytogenetic location: 4q12.
Variant type: single nucleotide variant.
Coding change: c.1132A>C on transcript NM_006206.6 (MANE Select); coding-DNA position 1132, A replaced by C.
Protein change: p.Lys378Gln; replaces lysine 378 with glutamine.
Molecular consequence: missense variant.
Genome position (GRCh38, 1-based): chr4:54,270,643, A>C. VCF-style: chr4-54270643-A-C. GRCh37 (hg19) VCF-style: chr4-55136810-A-C.
Other names: c.1132A>C, p.Lys378Gln (NM_001347827.2, NM_001347829.2); c.1207A>C, p.Lys403Gln (NM_001347828.2); c.1171A>C, p.Lys391Gln (NM_001347830.2); short protein forms K391Q, K378Q, K403Q.
Identifiers: ClinVar variation 2131496 (VCV002131496.4), dbSNP rs2475471144, ClinGen allele CA356891883.